The following is an entry in ClinVar:

ClinVar aggregate classification (germline): Uncertain significance (1 of 4 stars; one submission).

gnomAD v4.1: 11 of 1,613,990 alleles (0.00068%); highest among the groups gnomAD compares: Non-Finnish European, 0.00093%; no homozygotes.

Submission:

Labcorp Genetics (formerly Invitae), Labcorp
Classification: Uncertain significance. Last evaluated: 2021-10-20. Review status: criteria provided, single submitter. Criteria: Invitae Variant Classification Sherloc (09022015). Collection method: clinical testing. Allele origin: germline.
Comment: This variant has not been reported in the literature in individuals with CNGB3-related conditions. This variant is not present in population databases (ExAC no frequency). This sequence change replaces serine with phenylalanine at codon 31 of the CNGB3 protein (p.Ser31Phe). The serine residue is weakly conserved and there is a large physicochemical difference between serine and phenylalanine. Advanced modeling of protein sequence and biophysical properties (such as structural, functional, and spatial information, amino acid conservation, physicochemical variation, residue mobility, and thermodynamic stability) performed at Invitae indicates that this missense variant is not expected to disrupt CNGB3 protein function. In summary, the available evidence is currently insufficient to determine the role of this variant in disease. Therefore, it has been classified as a Variant of Uncertain Significance.

NM_019098.5(CNGB3):c.92C>T (p.Ser31Phe)

Gene: CNGB3 (cyclic nucleotide gated channel subunit beta 3; minus strand). Cytogenetic location: 8q21.3.
Variant type: single nucleotide variant.
Coding change: c.92C>T on transcript NM_019098.5 (MANE Select); coding-DNA position 92, C replaced by T.
Protein change: p.Ser31Phe; replaces serine 31 with phenylalanine.
Molecular consequence: missense variant.
Genome position (GRCh38, 1-based): chr8:86,743,536, G>A on the plus strand (C>T on the coding strand, the complement: CNGB3 is on the minus strand). VCF-style: chr8-86743536-G-A. GRCh37 (hg19) VCF-style: chr8-87755764-G-A.
Other names: short protein forms S31F.
Identifiers: ClinVar variation 1363797 (VCV001363797.6), dbSNP rs1472499237, ClinGen allele CA371452745.
Genomic context (GRCh38, chr8:86,743,536, plus strand): 5'-GCATAGGAATGTAGAGGACATACCTGTGCTGTGGTTTGCTGAGACTGATTACTTGGGTGA[G>A]AGCCTTCTTCATTCCGACGAGAACTTTGTTCATTCTCATTGTTCTCTCCTATAGGCTTCA-3'
Protein context (NP_061971.3, residues 21-41): EQSSRRNEEG[Ser31Phe]HPSNQSQQTT